The following is an entry in ClinVar:

ClinVar aggregate classification (germline): Likely benign. Review status: criteria provided, multiple submitters, no conflicts (2 of 4 stars). 4 submissions from 4 submitters: Likely benign (4). Last evaluated 2025-09-10.

Conditions:
Cryopyrin associated periodic syndrome (CAPS). Identifiers: Orphanet 208650, MedGen C2316212, MONDO:0016168.
Familial amyloid nephropathy with urticaria AND deafness (MWS). Also called: UDA SYNDROME; URTICARIA-DEAFNESS-AMYLOIDOSIS SYNDROME; MUCKLE-WELLS SYNDROME; Urticaria, deafness and amyloidosis; CRYOPYRIN-ASSOCIATED PERIODIC SYNDROME 2. Identifiers: Orphanet 575, MedGen C0268390, MONDO:0008633, OMIM 191900.
Familial cold autoinflammatory syndrome 1 (FCAS1). Also called: CRYOPYRIN-ASSOCIATED PERIODIC SYNDROME 1; Familial cold inflammatory syndrome 1. Identifiers: Orphanet 47045, MedGen C4551895, MONDO:0007349, OMIM 120100.
Hearing loss, autosomal dominant 34, with or without inflammation. Also called: DEAFNESS, AUTOSOMAL DOMINANT 34, WITH OR WITHOUT INFLAMMATION. Identifiers: MedGen C4521680, MONDO:0033261, OMIM 617772.
Chronic infantile neurological, cutaneous and articular syndrome (CINCA). Also called: CINCA syndrome; Prieur Griscelli syndrome; CRYOPYRIN-ASSOCIATED PERIODIC SYNDROME 3; CHRONIC NEUROLOGIC CUTANEOUS AND ARTICULAR SYNDROME. Identifiers: Orphanet 1451, MedGen C0409818, MONDO:0011776, OMIM 607115.
Keratitis fugax hereditaria. Also called: KERATOENDOTHELIITIS FUGAX HEREDITARIA. Identifiers: Orphanet 647815, MedGen C1835697, MONDO:0007849, OMIM 148200.

Allele frequency attached by ClinVar (database versions not stated): ExAC 0.00001; gnomAD exomes 0.00001 and 0.00003; gnomAD 0.00003; TOPMed 0.00004; ESP Exome Variant Server 0.00008.
gnomAD v4.1: 45 of 1,613,066 alleles (0.0028%); highest among the groups gnomAD compares: South Asian, 0.0033%; no homozygotes.

Submissions (4):

Labcorp Genetics (formerly Invitae), Labcorp
Classification: Likely benign for Cryopyrin associated periodic syndrome. Last evaluated: 2025-09-10. Review status: criteria provided, single submitter. Criteria: Invitae Variant Classification Sherloc (09022015). Collection method: clinical testing. Allele origin: germline.

Blueprint Genetics
Classification: Likely benign. Last evaluated: 2022-06-21. Review status: criteria provided, single submitter. Criteria: ACMG Guidelines, 2015. Collection method: clinical testing. Allele origin: germline.

Fulgent Genetics
Classification: Likely benign for Familial cold autoinflammatory syndrome 1; Keratitis fugax hereditaria; Familial amyloid nephropathy with urticaria AND deafness; Chronic infantile neurological, cutaneous and articular syndrome; Hearing loss, autosomal dominant 34, with or without inflammation. Last evaluated: 2022-05-14. Review status: criteria provided, single submitter. Criteria: ACMG Guidelines, 2015. Collection method: clinical testing. Allele origin: unknown.

GeneDx
Classification: Likely benign. Last evaluated: 2016-01-23. Review status: criteria provided, single submitter. Criteria: GeneDx Variant Classification (06012015). Collection method: clinical testing. Allele origin: germline. Affected: yes.
Comment: This variant is considered likely benign or benign based on one or more of the following criteria: it is a conservative change, it occurs at a poorly conserved position in the protein, it is predicted to be benign by multiple in silico algorithms, and/or has population frequency not consistent with disease.

NM_001243133.2(NLRP3):c.2321+11G>A

Gene: NLRP3 (NLR family pyrin domain containing 3; plus strand). Cytogenetic location: 1q44.
Variant type: single nucleotide variant.
Coding change: c.2321+11G>A on transcript NM_001243133.2 (MANE Select); 11 bases into the intron after coding-DNA position 2321, G replaced by A.
Molecular consequence: intron variant.
Genome position (GRCh38, 1-based): chr1:247,429,766, G>A. VCF-style: chr1-247429766-G-A. GRCh37 (hg19) VCF-style: chr1-247593068-G-A.
Other names: c.2327+11G>A (NM_004895.5); c.2321+11G>A (NM_001127461.3, NM_001079821.3); c.2150+4167G>A (NM_001127462.3, NM_183395.3).
Identifiers: ClinVar variation 246348 (VCV000246348.11), dbSNP rs371752834, ClinGen allele CA1495176.